The following is an entry in ClinVar:

NM_003070.5(SMARCA2):c.3115G>A (p.Val1039Ile)

Gene: SMARCA2 (SWI/SNF related BAF chromatin remodeling complex subunit ATPase 2; plus strand). Cytogenetic location: 9p24.3.
Variant type: single nucleotide variant.
Coding change: c.3115G>A on transcript NM_003070.5 (MANE Select); coding-DNA position 3115, G replaced by A.
Protein change: p.Val1039Ile; replaces valine 1039 with isoleucine.
Molecular consequence: missense variant.
Genome position (GRCh38, 1-based): chr9:2,101,606, G>A. VCF-style: chr9-2101606-G-A. GRCh37 (hg19) VCF-style: chr9-2101606-G-A.
Other names: c.3115G>A, p.Val1039Ile (NM_001289396.2, NM_139045.4); c.2941G>A, p.Val981Ile (NM_001289397.2); short protein forms V1039I, V981I.
Identifiers: ClinVar variation 3365377 (VCV003365377.1).

ClinVar aggregate classification (germline): Uncertain significance (1 of 4 stars; one submission).

Submission:

GeneDx
Classification: Uncertain significance. Last evaluated: 2023-12-11. Review status: criteria provided, single submitter. Criteria: GeneDx Variant Classification Process June 2021. Collection method: clinical testing. Allele origin: germline. Affected: yes.
Comment: Not observed at significant frequency in large population cohorts (gnomAD); In silico analysis supports that this missense variant does not alter protein structure/function; Has not been previously published as pathogenic or benign to our knowledge